The following is an entry in ClinVar:

NM_000222.3(KIT):c.1610G>A (p.Cys537Tyr)

Gene: KIT (KIT proto-oncogene, receptor tyrosine kinase; plus strand). Cytogenetic location: 4q12.
Variant type: single nucleotide variant.
Coding change: c.1610G>A on transcript NM_000222.3 (MANE Select); coding-DNA position 1610, G replaced by A.
Protein change: p.Cys537Tyr; replaces cysteine 537 with tyrosine.
Molecular consequence: missense variant.
Genome position (GRCh38, 1-based): chr4:54,727,287, G>A. VCF-style: chr4-54727287-G-A. GRCh37 (hg19) VCF-style: chr4-55593453-G-A.
Other names: c.1598G>A, p.Cys533Tyr (NM_001093772.2, NM_001385286.1); c.1613G>A, p.Cys538Tyr (NM_001385284.1, NM_001385290.1); c.1610G>A, p.Cys537Tyr (NM_001385285.1); c.1601G>A, p.Cys534Tyr (NM_001385288.1, NM_001385292.1); short protein forms C534Y, C537Y, C533Y, C538Y.
Identifiers: ClinVar variation 1776383 (VCV001776383.8), dbSNP rs2109774308, ClinGen allele CA356907099.

ClinVar aggregate classification (germline): Uncertain significance. Review status: criteria provided, multiple submitters, no conflicts (2 of 4 stars). 2 submissions from 2 submitters: Uncertain significance (2). Last evaluated 2025-04-10.

Conditions:
Gastrointestinal stromal tumor. Also called: Gastrointestinal stromal tumor, somatic; Gastrointestinal stroma tumor. Identifiers: Orphanet 44890, MedGen C0238198, MeSH D046152, MONDO:0011719, OMIM 606764, HP:0100723.
Hereditary cancer-predisposing syndrome. Also called: Neoplastic Syndromes, Hereditary; Tumor predisposition; Hereditary Cancer Syndrome; Hereditary neoplastic syndrome. Identifiers: Orphanet 140162, MedGen C0027672, MeSH D009386, MONDO:0015356.

Submissions (2):

Ambry Genetics
Classification: Uncertain significance for Hereditary cancer-predisposing syndrome. Last evaluated: 2025-04-10. Review status: criteria provided, single submitter. Criteria: Ambry Variant Classification Scheme 2023. Collection method: clinical testing. Allele origin: germline.
Comment: The p.C537Y variant (also known as c.1610G>A), located in coding exon 10 of the KIT gene, results from a G to A substitution at nucleotide position 1610. The cysteine at codon 537 is replaced by tyrosine, an amino acid with highly dissimilar properties. This amino acid position is highly conserved in available vertebrate species. In addition, the in silico prediction for this alteration is inconclusive. Based on the available evidence, the clinical significance of this variant remains unclear.

Labcorp Genetics (formerly Invitae), Labcorp
Classification: Uncertain significance for Gastrointestinal stromal tumor. Last evaluated: 2024-04-24. Review status: criteria provided, single submitter. Criteria: Invitae Variant Classification Sherloc (09022015). Collection method: clinical testing. Allele origin: germline.
Comment: This sequence change replaces cysteine, which is neutral and slightly polar, with tyrosine, which is neutral and polar, at codon 537 of the KIT protein (p.Cys537Tyr). This variant is not present in population databases (gnomAD no frequency). This variant has not been reported in the literature in individuals affected with KIT-related conditions. ClinVar contains an entry for this variant (Variation ID: 1776383). An algorithm developed to predict the effect of missense changes on protein structure and function (PolyPhen-2) suggests that this variant is likely to be disruptive. In summary, the available evidence is currently insufficient to determine the role of this variant in disease. Therefore, it has been classified as a Variant of Uncertain Significance.